The following is an entry in ClinVar:

NC_000020.10:g.(?_62062673)_(62103816_?)del

Gene: KCNQ2 (potassium voltage-gated channel subfamily Q member 2; minus strand). Cytogenetic location: 20q13.33.
Variant type: Deletion.
Identifiers: ClinVar variation 3248238 (VCV003248238.1).

ClinVar aggregate classification (germline): Pathogenic (1 of 4 stars; one submission).

Conditions:
Developmental and epileptic encephalopathy. Identifiers: MedGen C5779964, MONDO:0100620.

Submission:

Labcorp Genetics (formerly Invitae), Labcorp
Classification: Pathogenic for Early-infantile DEE. Last evaluated: 2022-08-22. Review status: criteria provided, single submitter. Criteria: Invitae Variant Classification Sherloc (09022015). Collection method: clinical testing. Allele origin: unknown.
Comment: For these reasons, this variant has been classified as Pathogenic. This variant has not been reported in the literature in individuals affected with KCNQ2-related conditions. This variant is a gross deletion of the genomic region encompassing exon(s) 1-9 of the KCNQ2 gene, which includes the initiator codon. This deletion extends beyond the assayed region for this gene and therefore may encompass additional genes. It is expected to result in an absent or disrupted protein product. Loss-of-function variants in KCNQ2 are known to be pathogenic (PMID: 14534157, 23692823, 27779742).

Literature cited by the submitters: PubMed 14534157; PubMed 23692823; PubMed 27779742.